The following is an entry in ClinVar:

NM_001360.3(DHCR7):c.616dup (p.Ala206fs)

Gene: DHCR7 (7-dehydrocholesterol reductase; minus strand). Cytogenetic location: 11q13.4.
Variant type: Duplication.
Coding change: c.616dup on transcript NM_001360.3 (MANE Select); coding-DNA position 616, one base duplicated (G; older notation c.616dupG).
Protein change: p.Ala206fs; shifts the reading frame from alanine 206.
Molecular consequence: frameshift variant.
Genome position (GRCh38, 1-based): chr11:71,441,237, C duplicated on the plus strand (G on the coding strand, the reverse complement: DHCR7 is on the minus strand). VCF-style (leftmost placement, unchanged base first): chr11-71441236-G-GC. GRCh37 (hg19) VCF-style: chr11-71152282-G-GC.
Other names: c.616dup, p.Ala206fs (NM_001425107.1, NM_001425109.1, NM_001425110.1 and 7 more transcripts); c.652dup, p.Ala218fs (NM_001425108.1); c.556dup, p.Ala186fs (NM_001425113.1); c.520dup, p.Ala174fs (NM_001425114.1, NM_001425116.1); c.442dup, p.Ala148fs (NM_001425117.1); short protein forms A148fs, A174fs, A186fs, A206fs, A218fs.
Identifiers: ClinVar variation 4814833 (VCV004814833.1).

ClinVar aggregate classification (germline): Likely pathogenic (1 of 4 stars; one submission).

Conditions:
Smith-Lemli-Opitz syndrome (SLOS). Also called: LETHAL ACRODYSGENITAL SYNDROME; POLYDACTYLY, SEX REVERSAL, RENAL HYPOPLASIA, AND UNILOBAR LUNG; RSH SYNDROME; RUTLEDGE LETHAL MULTIPLE CONGENITAL ANOMALY SYNDROME; 7-Dehydrocholesterol reductase deficiency. Identifiers: Orphanet 818, MedGen C0175694, MONDO:0010035, OMIM 270400.

Submission:

Natera, Inc.
Classification: Likely pathogenic for Smith-Lemli-Opitz syndrome. Last evaluated: 2024-10-15. Review status: criteria provided, single submitter. Criteria: Natera Variant Classification Schema (03/2026). Collection method: clinical testing. Allele origin: germline.
Comment: The c.616dup variant in DHCR7 is a frameshift variant predicted to shift the reading frame beginning at codon 206 and leads to a stop codon 21 codons downstream. This variant is expected to result in nonsense mediated decay, truncation, or a dysfunctional protein product. This variant is rare in the general population with a frequency below the threshold expected for the associated phenotype(s). Given the available evidence, this variant is classified as Likely Pathogenic.